The following is an entry in ClinVar:

ClinVar aggregate classification (germline): Pathogenic/Likely pathogenic. Review status: criteria provided, multiple submitters, no conflicts (2 of 4 stars). 3 submissions from 3 submitters: Pathogenic (2); Likely pathogenic (1). Last evaluated 2026-06-01.

Conditions:
RASopathy. Also called: rasopathies; Noonan spectrum disorder. Identifiers: Orphanet 536391, MedGen C5555857, MONDO:0021060.
Hereditary cancer-predisposing syndrome. Also called: Neoplastic Syndromes, Hereditary; Tumor predisposition; Hereditary neoplastic syndrome; Hereditary Cancer Syndrome. Identifiers: Orphanet 140162, MedGen C0027672, MeSH D009386, MONDO:0015356.
Cardiovascular phenotype. Identifiers: MedGen CN230736.

Allele frequency attached by ClinVar (database versions not stated): gnomAD exomes below 0.00001.

Submissions (3):

CeGaT Center for Human Genetics Tuebingen
Classification: Pathogenic. Last evaluated: 2026-06-01. Review status: criteria provided, single submitter. Criteria: CeGaT Center For Human Genetics Tuebingen Variant Classification Criteria Version 2. Collection method: clinical testing. Allele origin: germline. Affected: yes. Observed: 1 variant allele.
Comment: LZTR1: PVS1, PM2, PS4:Supporting

Ambry Genetics
Classification: Pathogenic for Cardiovascular phenotype; Hereditary cancer-predisposing syndrome. Last evaluated: 2025-01-03. Review status: criteria provided, single submitter. Criteria: Ambry Variant Classification Scheme 2023. Collection method: clinical testing. Allele origin: germline.
Comment: The c.1751dupA pathogenic mutation, located in coding exon 15 of the LZTR1 gene, results from a duplication of A at nucleotide position 1751, causing a translational frameshift with a predicted alternate stop codon (p.S585Efs*84). This variant was reported in individual(s) with features consistent with LZTR1-related schwannomatosis (Piotrowski A et al. Nat Genet, 2014 Feb;46:182-7). This alteration is expected to result in loss of function by premature protein truncation or nonsense-mediated mRNA decay. Loss-of-function variants in LZTR1 are related to an increased risk for schwannomas and autosomal recessive Noonan syndrome; however, such associations with autosomal dominant Noonan syndrome have not been observed (Piotrowski A et al. Nat Genet. 2014 Feb;46:182-7; Yamamoto GL et al. J Med Genet. 2015 Jun;52:413-21; Johnston JJ et al. Genet Med. 2018 10;20:1175-1185). Based on the supporting evidence, this variant is pathogenic for an increased risk of LZTR1-related schwannomatosis (SWN) and would be expected to cause autosomal recessive Noonan syndrome when present along with a second pathogenic or likely pathogenic variant on the other allele; however, the association of this alteration with autosomal dominant Noonan syndrome is unlikely.

Women's Health and Genetics/Laboratory Corporation of America, LabCorp
Classification: Likely pathogenic for Rasopathy. Last evaluated: 2019-12-24. Review status: criteria provided, single submitter. Criteria: LabCorp Variant Classification Summary - May 2015. Collection method: clinical testing. Allele origin: germline.
Comment: Variant summary: LZTR1 c.1751dupA (p.Ser585GlufsX84) results in a premature termination codon, predicted to cause a truncation of the encoded protein or absence of the protein due to nonsense mediated decay, which are commonly known mechanisms for disease. Germline loss of function mutations in LZTR1 have been reported to predispose to an inherited disorder of multiple schwannomas (Piotrowski_2014). The variant allele was found at a frequency of 4e-06 in 249844 control chromosomes. As a gene with a pLI score of 0 (gnomAD) this gene is expected to be tolerant to loss of function variants. Therefore, this frequency does not allow any conclusions about variant significance in relation to Schwannomatosis. c.1751dupA has been reported in the literature in at-least one individual affected with Schwannomatosis (example, Piotrowski_2014). To our knowledge, no experimental evidence demonstrating an impact on protein function has been reported. No other clinically significant variants were identified. No clinical diagnostic laboratories have submitted clinical-significance assessments for this variant to ClinVar after 2014. Based on the evidence outlined above, the variant was classified as likely pathogenic for the risk of multiple schwannomas and as a variant of uncertain clinical significance for the phenotype NSRD.

Literature cited by the submitters: PubMed 24362817 (cited by Ambry Genetics and Women's Health and Genetics/Laboratory Corporation of America, LabCorp); PubMed 27921248 (cited by Women's Health and Genetics/Laboratory Corporation of America, LabCorp).

NM_006767.4(LZTR1):c.1751dup (p.Ser585fs)

Gene: LZTR1 (leucine zipper like post translational regulator 1; plus strand). Cytogenetic location: 22q11.21.
Variant type: Duplication.
Coding change: c.1751dup on transcript NM_006767.4 (MANE Select); coding-DNA position 1751, one base duplicated (A; older notation c.1751dupA).
Protein change: p.Ser585fs; shifts the reading frame from serine 585.
Molecular consequence: frameshift variant.
Genome position (GRCh38, 1-based): chr22:20,994,693, A duplicated. VCF-style (leftmost placement, unchanged base first): chr22-20994692-G-GA. GRCh37 (hg19) VCF-style: chr22-21348981-G-GA.
Other names: c.1751dupA (NM_006767.3); short protein forms S585fs.
Identifiers: ClinVar variation 928648 (VCV000928648.4), dbSNP rs1569157346, ClinGen allele CA638942581.